The following is an entry in ClinVar:

NM_139284.3(LGI4):c.554G>A (p.Cys185Tyr)

Gene: LGI4 (leucine rich repeat LGI family member 4; minus strand). Cytogenetic location: 19q13.12.
Variant type: single nucleotide variant.
Coding change: c.554G>A on transcript NM_139284.3 (MANE Select); coding-DNA position 554, G replaced by A.
Protein change: p.Cys185Tyr; replaces cysteine 185 with tyrosine.
Molecular consequence: missense variant.
Genome position (GRCh38, 1-based): chr19:35,131,460, C>T on the plus strand (G>A on the coding strand, the complement: LGI4 is on the minus strand). VCF-style: chr19-35131460-C-T. GRCh37 (hg19) VCF-style: chr19-35622364-C-T.
Other names: short protein forms C185Y.
Identifiers: ClinVar variation 2303911 (VCV002303911.2), dbSNP rs1290666151, ClinGen allele CA405312986.

ClinVar aggregate classification (germline): Uncertain significance (1 of 4 stars; one submission).

Conditions:
Inborn genetic diseases. Identifiers: MedGen C0950123, MeSH D030342.

Allele frequency attached by ClinVar (database versions not stated): gnomAD exomes 0.00001; TOPMed 0.00001; gnomAD 0.00001.
gnomAD v4.1: 20 of 1,551,566 alleles (0.0013%); highest among the groups gnomAD compares: Non-Finnish European, 0.0017%; no homozygotes.

Submission:

Ambry Genetics
Classification: Uncertain significance for Inborn genetic diseases. Last evaluated: 2024-01-12. Review status: criteria provided, single submitter. Criteria: Ambry Variant Classification Scheme 2023. Collection method: clinical testing. Allele origin: germline.
Comment: The c.554G>A (p.C185Y) alteration is located in exon 6 (coding exon 6) of the LGI4 gene. This alteration results from a G to A substitution at nucleotide position 554, causing the cysteine (C) at amino acid position 185 to be replaced by a tyrosine (Y). Based on data from gnomAD, the A allele has an overall frequency of 0.001% (1/152186) total alleles studied. The highest observed frequency was 0.001% (1/68028) of European (non-Finnish) alleles. This amino acid position is highly conserved in available vertebrate species. This alteration is predicted to be deleterious by in silico analysis. Based on insufficient or conflicting evidence, the clinical significance of this alteration remains unclear.